The following is an entry in ClinVar:

NM_001089.3(ABCA3):c.4648C>T (p.Arg1550Trp)

Gene: ABCA3 (ATP binding cassette subfamily A member 3; minus strand). Cytogenetic location: 16p13.3.
Variant type: single nucleotide variant.
Coding change: c.4648C>T on transcript NM_001089.3 (MANE Select); coding-DNA position 4648, C replaced by T.
Protein change: p.Arg1550Trp; replaces arginine 1550 with tryptophan.
Molecular consequence: missense variant.
Genome position (GRCh38, 1-based): chr16:2,278,358, G>A on the plus strand (C>T on the coding strand, the complement: ABCA3 is on the minus strand). VCF-style: chr16-2278358-G-A. GRCh37 (hg19) VCF-style: chr16-2328359-G-A.
Other names: short protein forms R1550W.
Identifiers: ClinVar variation 1742161 (VCV001742161.3), dbSNP rs781422468, ClinGen allele CA7840056.

ClinVar aggregate classification (germline): Likely pathogenic. Review status: criteria provided, multiple submitters, no conflicts (2 of 4 stars). 2 submissions from 2 submitters: Likely pathogenic (2). Last evaluated 2024-04-13.

Conditions:
Hereditary pulmonary alveolar proteinosis. Also called: Pulmonary surfactant metabolism dysfunction. Identifiers: Orphanet 264675, MedGen C3711368, MONDO:0012580.
Interstitial lung disease due to ABCA3 deficiency. Also called: PULMONARY ALVEOLAR PROTEINOSIS, CONGENITAL, 3. Identifiers: Orphanet 440402, MedGen C1970456, MONDO:0012582, OMIM 610921.

Allele frequency attached by ClinVar (database versions not stated): TOPMed below 0.00001; ExAC 0.00001; gnomAD 0.00001; gnomAD exomes 0.00001.
gnomAD v4.1: 17 of 1,612,056 alleles (0.0011%); highest among the groups gnomAD compares: Non-Finnish European, 0.0014%; no homozygotes.

Submissions (2):

Fulgent Genetics
Classification: Likely pathogenic for Interstitial lung disease due to ABCA3 deficiency. Last evaluated: 2024-04-13. Review status: criteria provided, single submitter. Criteria: ACMG Guidelines, 2015. Collection method: clinical testing. Allele origin: germline.

Ambry Genetics
Classification: Likely pathogenic for Hereditary pulmonary alveolar proteinosis. Last evaluated: 2016-03-11. Review status: criteria provided, single submitter. Criteria: Ambry Variant Classification Scheme 2023. Collection method: clinical testing. Allele origin: germline.
Comment: The p.R1550W variant (also known as c.4648C>T), located in coding exon 27 of the ABCA3 gene, results from a C to T substitution at nucleotide position 4648. The arginine at codon 1550 is replaced by tryptophan, an amino acid with dissimilar properties. This alteration was first described in a newborn with respiratory failure, tachypnea, and hypoxemia; this newborn also carried the c.288dupA alteration, phase not reported (Doan ML et al. Thorax. 2008;63(4):366-73). This variant was not reported in population based cohorts in the following databases: Database of Single Nucleotide Polymorphisms (dbSNP), NHLBI Exome Sequencing Project (ESP), and 1000 Genomes Project. In the ESP, this variant was not observed in 6498 samples (12996 alleles) with coverage at this position. This amino acid position is highly conserved in available vertebrate species. In addition, this alteration is predicted to be deleterious by in silico analysis. Based on the majority of available evidence to date, this variant is likely to be pathogenic.